The following is an entry in ClinVar:

ClinVar aggregate classification (germline): Conflicting classifications of pathogenicity. Review status: criteria provided, conflicting classifications (1 of 4 stars). 5 submissions from 5 submitters: Uncertain significance (4); Likely benign (1). Last evaluated 2026-01-18.

Conditions:
Immunodeficiency, common variable, 10. Also called: IMMUNODEFICIENCY, COMMON VARIABLE, WITH CENTRAL ADRENAL INSUFFICIENCY; DEFICIT IN ANTERIOR PITUITARY FUNCTION AND VARIABLE IMMUNODEFICIENCY. Identifiers: MedGen C3809991, MONDO:0014260, OMIM 615577.

Allele frequency attached by ClinVar (database versions not stated): gnomAD 0.00005 and 0.00006; ExAC 0.00006; TOPMed 0.00006; gnomAD exomes 0.00007 and 0.00008; 1000 Genomes Project 30x 0.00016; 1000 Genomes Project 0.00020.

Submissions (5):

Labcorp Genetics (formerly Invitae), Labcorp
Classification: Uncertain significance for Immunodeficiency, common variable, 10. Last evaluated: 2026-01-18. Review status: criteria provided, single submitter. Criteria: Invitae Variant Classification Sherloc (09022015). Collection method: clinical testing. Allele origin: germline.
Comment: This sequence change replaces threonine, which is neutral and polar, with serine, which is neutral and polar, at codon 665 of the NFKB2 protein (p.Thr665Ser). This variant is present in population databases (rs200139098, gnomAD 0.02%). This variant has not been reported in the literature in individuals affected with NFKB2-related conditions. ClinVar contains an entry for this variant (Variation ID: 951847). An algorithm developed to predict the effect of missense changes on protein structure and function (PolyPhen-2) suggests that this variant is likely to be disruptive. In summary, the available evidence is currently insufficient to determine the role of this variant in disease. Therefore, it has been classified as a Variant of Uncertain Significance.

Laboratorio de Genetica e Diagnostico Molecular, Hospital Israelita Albert Einstein
Classification: Uncertain significance for Immunodeficiency, common variable, 10. Last evaluated: 2024-11-18. Review status: criteria provided, single submitter. Criteria: ACMG Guidelines, 2015. Collection method: clinical testing. Allele origin: germline. Affected: yes.
Comment: ACMG classification criteria: PP2 supporting, BP4 supporting

Blueprint Genetics
Classification: Likely benign. Last evaluated: 2024-07-24. Review status: criteria provided, single submitter. Criteria: ACMG Guidelines, 2015. Collection method: clinical testing. Allele origin: germline.

ARUP Laboratories, Molecular Genetics and Genomics, ARUP Laboratories
Classification: Uncertain significance for Immunodeficiency, common variable, 10. Last evaluated: 2024-05-23. Review status: criteria provided, single submitter. Criteria: ARUP Molecular Germline Variant Investigation Process 2024. Collection method: clinical testing. Allele origin: germline.
Comment: The NFKB2 c.1993A>T; p.Thr665Ser variant (rs200139098, ClinVar Variation ID: 951847) is reported in the literature in an individual affected with early onset common variable immunodeficiency and hypereosinophilia (Chang 2022 abstract). This variant is found in the general population with an overall allele frequency of 0.008% (21/279,724 alleles) in the Genome Aggregation Database (v2.1.1). Computational analyses are uncertain whether this variant is neutral or deleterious (REVEL: 0.23). Due to limited information, the clinical significance of this variant is uncertain at this time. References: Selected Abstracts from the 13th Annual Meeting of the Clinical Immunology Society: 2022 Annual Meeting: Immune Deficiency and Dysregulation North American Conference. (abstract 83) Chang et al. Early onset CVID and hypereosinophilia with novel VUS NFKB2 mutation c.1993A>T (p.Thr665Ser). J Clin Immunol. 2022 Apr;42(Suppl 1):1-115. PMID: 35353336.

Institute for Clinical Genetics, University Hospital TU Dresden, University Hospital TU Dresden
Classification: Uncertain significance. Last evaluated: 2021-11-03. Review status: criteria provided, single submitter. Criteria: ACMG Guidelines, 2015. Collection method: clinical testing. Allele origin: germline.

NM_001322934.2(NFKB2):c.1993A>T (p.Thr665Ser)

Gene: NFKB2 (nuclear factor kappa B subunit 2; plus strand). Cytogenetic location: 10q24.32.
Variant type: single nucleotide variant.
Coding change: c.1993A>T on transcript NM_001322934.2 (MANE Select); coding-DNA position 1993, A replaced by T.
Protein change: p.Thr665Ser; replaces threonine 665 with serine.
Molecular consequence: missense variant.
Genome position (GRCh38, 1-based): chr10:102,400,971, A>T. VCF-style: chr10-102400971-A-T. GRCh37 (hg19) VCF-style: chr10-104160728-A-T.
Other names: c.1993A>T (NM_001261403.1); c.1993A>T, p.Thr665Ser (NM_001077494.3, NM_001261403.3, NM_001288724.1 and 1 more transcripts); c.1867A>T, p.Thr623Ser (NM_001322935.1); short protein forms T623S, T665S.
Identifiers: ClinVar variation 951847 (VCV000951847.11), dbSNP rs200139098, ClinGen allele CA5664953.